The following is an entry in ClinVar:

NM_001287491.2(TET3):c.4116C>T (p.Ala1372=)

Gene: TET3 (tet methylcytosine dioxygenase 3; plus strand). Cytogenetic location: 2p13.1.
Variant type: single nucleotide variant.
Coding change: c.4116C>T on transcript NM_001287491.2 (MANE Select); coding-DNA position 4116, C replaced by T.
Protein change: p.Ala1372=; no amino-acid change (alanine 1372 retained).
Molecular consequence: synonymous variant.
Genome position (GRCh38, 1-based): chr2:74,100,904, C>T. VCF-style: chr2-74100904-C-T. GRCh37 (hg19) VCF-style: chr2-74328031-C-T.
Other names: c.3837C>T, p.Ala1279= (NM_001366022.1); c.3711C>T, p.Ala1237= (NM_144993.1).
Identifiers: ClinVar variation 2651050 (VCV002651050.24), dbSNP rs190314140, ClinGen allele CA1719151.
Genomic context (GRCh38, chr2:74,100,904, plus strand): 5'-CACTCCTCACCACCAGCAGCCTGCGTACCCAGGCCCCAAGGAGTATCTGCTTCCCAAGGC[C>T]CCCCTACTCCACTCAGTGTCCAGGGACCCCTCCCCCTTTGCCCAGAGCTCCAACTGCTAC-3'
Protein context (NP_001274420.1, residues 1362-1382): PGPKEYLLPK[Ala1372=]PLLHSVSRDP

ClinVar aggregate classification (germline): Likely benign (1 of 4 stars; one submission).

Allele frequency attached by ClinVar (database versions not stated): ESP Exome Variant Server 0.00240; ExAC 0.00252; 1000 Genomes Project 30x 0.00297; 1000 Genomes Project 0.00319; gnomAD 0.00324; TOPMed 0.00403.
gnomAD v4.1: 2,809 of 1,610,186 alleles (0.17%); highest among the groups gnomAD compares: Middle Eastern, 0.61%; 17 homozygotes.

Submission:

CeGaT Center for Human Genetics Tuebingen
Classification: Likely benign. Last evaluated: 2026-06-01. Review status: criteria provided, single submitter. Criteria: CeGaT Center For Human Genetics Tuebingen Variant Classification Criteria Version 2. Collection method: clinical testing. Allele origin: germline. Affected: yes. Observed: 4 variant alleles.
Comment: TET3: BP4, BP7